The following is an entry in ClinVar:

NM_001927.4(DES):c.1255_1271del (p.Pro419fs)

Gene: DES (desmin; plus strand). Cytogenetic location: 2q35.
Variant type: Deletion.
Coding change: c.1255_1271del on transcript NM_001927.4 (MANE Select); coding-DNA positions 1255 to 1271, 17 bases deleted (CCCATCCAGACCTACTC).
Protein change: p.Pro419fs; shifts the reading frame from proline 419.
Molecular consequence: frameshift variant.
Genome position (GRCh38, 1-based): chr2:219,423,787-219,423,803, CCCATCCAGACCTACTC deleted; deleting any 17 consecutive bases within chr2:219,423,784-219,423,803 gives the same sequence; the c. name uses the placement nearest the transcript's 3' end. VCF-style (leftmost placement, unchanged base first): chr2-219423783-TCTCCCCATCCAGACCTA-T. GRCh37 (hg19) VCF-style: chr2-220288505-TCTCCCCATCCAGACCTA-T.
Other names: c.1255_1271del (LRG_380t1); short protein forms P419fs.
Identifiers: ClinVar variation 522796 (VCV000522796.37), dbSNP rs1553603732, ClinGen allele CA658796176.

ClinVar aggregate classification (germline): Pathogenic. Review status: criteria provided, multiple submitters, no conflicts (2 of 4 stars). 2 submissions from 2 submitters: Pathogenic (2). Last evaluated 2021-06-01.

Conditions:
Desmin-related myofibrillar myopathy (MFM1). Also called: Desminopathy; MYOFIBRILLAR MYOPATHY WITH ARRHYTHMOGENIC RIGHT VENTRICULAR CARDIOMYOPATHY; DESMIN-RELATED MYOPATHY WITH ARRHYTHMOGENIC RIGHT VENTRICULAR CARDIOMYOPATHY; Myofibrillar myopathy 1; Desmin related myopathy (former name); Desmin storage myopathy (former name). Identifiers: Orphanet 363543, Orphanet 98909, MedGen C1832370, MONDO:0011076, OMIM 601419.

Submissions (2):

CeGaT Center for Human Genetics Tuebingen
Classification: Pathogenic. Last evaluated: 2021-06-01. Review status: criteria provided, single submitter. Criteria: CeGaT Center For Human Genetics Tuebingen Variant Classification Criteria Version 2. Collection method: clinical testing. Allele origin: germline. Affected: yes. Observed: 1 variant allele.

Undiagnosed Diseases Network, NIH
Classification: Pathogenic for Desmin-related myofibrillar myopathy. Last evaluated: 2017-01-31. Review status: criteria provided, single submitter. Criteria: ACMG Guidelines, 2015. Collection method: clinical testing. Allele origin: inherited. Inheritance: Autosomal recessive inheritance. Affected: yes. Observed: 3 variant alleles, 3 homozygotes. Clinical features observed: Skeletal muscle atrophy (HP:0003202), Ragged-red muscle fibers (HP:0003200), Progressive muscle weakness (HP:0003323), Poor suck (HP:0002033), Ophthalmoparesis (HP:0000597), Muscular hypotonia (HP:0001252), Motor delay (HP:0001270), Bilateral ptosis (HP:0001488), Abnormal EKG (HP:0003115). Study: Undiagnosed Diseases Network (NIH), UDN.
Comment: In this consanguineous family, the variant segregated with disease in two affected siblings and 5 affected cousins.